The following is an entry in ClinVar:

ClinVar aggregate classification (germline): Benign (1 of 4 stars; one submission).

Allele frequency attached by ClinVar (database versions not stated): gnomAD 0.16253 and 0.16620; TOPMed 0.17890; 1000 Genomes Project 0.19649; 1000 Genomes Project 30x 0.20534.
gnomAD v4.1: 24,642 of 152,088 alleles (16%); highest among the groups gnomAD compares: African/African-American, 34%; 3,059 homozygotes.

Submission:

GeneDx
Classification: Benign. Last evaluated: 2018-06-19. Review status: criteria provided, single submitter. Criteria: GeneDx Variant Classification (06012015). Collection method: clinical testing. Allele origin: germline. Affected: yes.
Comment: This variant is considered likely benign or benign based on one or more of the following criteria: it is a conservative change, it occurs at a poorly conserved position in the protein, it is predicted to be benign by multiple in silico algorithms, and/or has population frequency not consistent with disease.

NM_012434.5(SLC17A5):c.978+213G>A

Gene: SLC17A5 (solute carrier family 17 member 5; minus strand). Cytogenetic location: 6q13.
Variant type: single nucleotide variant.
Coding change: c.978+213G>A on transcript NM_012434.5 (MANE Select); 213 bases into the intron after coding-DNA position 978, G replaced by A.
Molecular consequence: intron variant.
Genome position (GRCh38, 1-based): chr6:73,621,591, C>T on the plus strand (G>A on the coding strand, the complement: SLC17A5 is on the minus strand). VCF-style: chr6-73621591-C-T. GRCh37 (hg19) VCF-style: chr6-74331314-C-T.
Identifiers: ClinVar variation 672090 (VCV000672090.1), dbSNP rs609790, ClinGen allele CA140962904.
Genomic context (GRCh38, chr6:73,621,591, plus strand): 5'-ACTGAGTTGTCTTTTTATTATTGAATTGTAAGAATTCTTAATATGTCTGGATACTAGACC[C>T]TTATTAGATGTTTGATTTATAAATGCTTTCTCCCATTCAGTGGGTTGTTTTTCATTTTCT-3'